The following is an entry in ClinVar:

NM_001367624.2(ZNF469):c.10125del (p.Glu3376fs)

Genes: ZNF469 (zinc finger protein 469; plus strand), LOC130059719 (ATAC-STARR-seq lymphoblastoid silent region 7848; plus strand). Cytogenetic location: 16q24.2.
Variant type: Deletion.
Coding change: c.10125del on transcript NM_001367624.2 (MANE Select); coding-DNA position 10125, one base deleted (C; older notation c.10125delC).
Protein change: p.Glu3376fs; shifts the reading frame from glutamic acid 3376.
Molecular consequence: frameshift variant.
Genome position (GRCh38, 1-based): chr16:88,437,595, C deleted; the last of 4 consecutive C bases (chr16:88,437,592-88,437,595); deleting any one gives the same sequence. VCF-style (leftmost placement, unchanged base first): chr16-88437591-AC-A. GRCh37 (hg19) VCF-style: chr16-88503999-AC-A.
Other names: short protein forms E3376fs.
Identifiers: ClinVar variation 2847934 (VCV002847934.3), dbSNP rs2507605413, ClinGen allele CA2739266944.
Genomic context (GRCh38, chr16:88,437,591, plus strand): 5'-GCCACCTGGCGGTGCACAGCCCGCAGCGCGTCTACCTGTGCCCCCGGTGCCCCCGGGTCT[AC>A]CCCGAGCACGGGGAGCTGCTGGCACACCTGGGCGGGGCGCACGGGCTGCTGGAGCGGCCG-3'

ClinVar aggregate classification (germline): Pathogenic (1 of 4 stars; one submission).

Submission:

Labcorp Genetics (formerly Invitae), Labcorp
Classification: Pathogenic. Last evaluated: 2023-03-24. Review status: criteria provided, single submitter. Criteria: Invitae Variant Classification Sherloc (09022015). Collection method: clinical testing. Allele origin: germline.
Comment: This sequence change creates a premature translational stop signal (p.Glu3348Serfs*62) in the ZNF469 gene. While this is not anticipated to result in nonsense mediated decay, it is expected to disrupt the last 578 amino acid(s) of the ZNF469 protein. This variant is not present in population databases (gnomAD no frequency). This variant has not been reported in the literature in individuals affected with ZNF469-related conditions. This variant disrupts a region of the ZNF469 protein in which other variant(s) (p.Pro3556Glnfs*136) have been determined to be pathogenic (PMID: 32671420). This suggests that this is a clinically significant region of the protein, and that variants that disrupt it are likely to be disease-causing. For these reasons, this variant has been classified as Pathogenic.

Literature cited by the submitters: PubMed 32671420.